The following is an entry in ClinVar:

ClinVar aggregate classification (germline): Uncertain significance. Review status: criteria provided, multiple submitters, no conflicts (2 of 4 stars). 4 submissions from 4 submitters: Uncertain significance (3). 1 of the submissions does not count toward it. Last evaluated 2023-02-10.

Conditions:
Hereditary cancer-predisposing syndrome. Also called: Hereditary neoplastic syndrome; Neoplastic Syndromes, Hereditary; Tumor predisposition; Hereditary Cancer Syndrome. Identifiers: Orphanet 140162, MedGen C0027672, MeSH D009386, MONDO:0015356.
Microcephaly, normal intelligence and immunodeficiency (NBS). Also called: IMMUNODEFICIENCY, MICROCEPHALY, AND CHROMOSOMAL INSTABILITY; SEEMANOVA SYNDROME II; Nijmegen breakage syndrome; Microcephaly with normal intelligence immunodeficiency and lymphoreticular malignancies; Nonsyndromal microcephaly autosomal recessive with normal intelligence; Seemanova syndrome 2. Identifiers: Orphanet 647, MedGen C0398791, MONDO:0009623, OMIM 251260.

Allele frequency attached by ClinVar (database versions not stated): gnomAD exomes 0.00001.
gnomAD v4.1: 4 of 1,613,828 alleles (0.00025%); no homozygotes.

Submissions (4):

Ambry Genetics
Classification: Uncertain significance for Hereditary cancer-predisposing syndrome. Last evaluated: 2023-02-10. Review status: criteria provided, single submitter. Criteria: Ambry Variant Classification Scheme 2023. Collection method: clinical testing. Allele origin: germline.
Comment: The p.T524A variant (also known as c.1570A>G), located in coding exon 11 of the NBN gene, results from an A to G substitution at nucleotide position 1570. The threonine at codon 524 is replaced by alanine, an amino acid with similar properties. This amino acid position is not well conserved in available vertebrate species, and alanine is the reference amino acid in other vertebrate species. In addition, this alteration is predicted to be tolerated by in silico analysis. Since supporting evidence is limited at this time, the clinical significance of this alteration remains unclear.

Labcorp Genetics (formerly Invitae), Labcorp
Classification: Uncertain significance for Microcephaly, normal intelligence and immunodeficiency. Last evaluated: 2022-06-26. Review status: criteria provided, single submitter. Criteria: Invitae Variant Classification Sherloc (09022015). Collection method: clinical testing. Allele origin: germline.
Comment: This sequence change replaces threonine, which is neutral and polar, with alanine, which is neutral and non-polar, at codon 524 of the NBN protein (p.Thr524Ala). This variant is present in population databases (no rsID available, gnomAD 0.01%). This variant has not been reported in the literature in individuals affected with NBN-related conditions. ClinVar contains an entry for this variant (Variation ID: 461514). Algorithms developed to predict the effect of missense changes on protein structure and function output the following: SIFT: "Tolerated"; PolyPhen-2: "Benign"; Align-GVGD: "Class C0". The alanine amino acid residue is found in multiple mammalian species, which suggests that this missense change does not adversely affect protein function. In summary, the available evidence is currently insufficient to determine the role of this variant in disease. Therefore, it has been classified as a Variant of Uncertain Significance.

Genome-Nilou Lab
Classification: Uncertain significance for Microcephaly, normal intelligence and immunodeficiency. Last evaluated: 2021-11-07. Review status: criteria provided, single submitter. Criteria: ACMG Guidelines, 2015. Collection method: clinical testing. Allele origin: germline. Affected: no.

Natera, Inc.
Classification: Uncertain significance for Nijmegen breakage syndrome. Last evaluated: 2025-02-03. Review status: no assertion criteria provided. Collection method: clinical testing. Allele origin: germline. Not counted in ClinVar's aggregate classification.

NM_002485.5(NBN):c.1570A>G (p.Thr524Ala)

Gene: NBN (nibrin; minus strand). Cytogenetic location: 8q21.3.
Variant type: single nucleotide variant.
Coding change: c.1570A>G on transcript NM_002485.5 (MANE Select); coding-DNA position 1570, A replaced by G.
Protein change: p.Thr524Ala; replaces threonine 524 with alanine.
Molecular consequence: missense variant.
Genome position (GRCh38, 1-based): chr8:89,953,519, T>C on the plus strand (A>G on the coding strand, the complement: NBN is on the minus strand). VCF-style: chr8-89953519-T-C. GRCh37 (hg19) VCF-style: chr8-90965747-T-C.
Other names: c.1324A>G, p.Thr442Ala (NM_001024688.3); short protein forms T524A, T442A.
Identifiers: ClinVar variation 461514 (VCV000461514.13), dbSNP rs1292640945, ClinGen allele CA371655571.